The following is an entry in ClinVar:

NM_005751.5(AKAP9):c.11083C>T (p.His3695Tyr)

Gene: AKAP9 (A-kinase anchoring protein 9; plus strand). Cytogenetic location: 7q21.2.
Variant type: single nucleotide variant.
Coding change: c.11083C>T on transcript NM_005751.5 (MANE Select); coding-DNA position 11083, C replaced by T.
Protein change: p.His3695Tyr; replaces histidine 3695 with tyrosine.
Molecular consequence: missense variant.
Genome position (GRCh38, 1-based): chr7:92,101,042, C>T. VCF-style: chr7-92101042-C-T. GRCh37 (hg19) VCF-style: chr7-91730356-C-T.
Other names: c.5728C>T, p.His1910Tyr (NM_001379277.1); c.11059C>T, p.His3687Tyr (NM_147185.3); short protein forms H1910Y, H3687Y, H3695Y.
Identifiers: ClinVar variation 3225008 (VCV003225008.2), dbSNP rs1402356971, ClinGen allele CA368160782.

ClinVar aggregate classification (germline): Uncertain significance. Review status: criteria provided, multiple submitters, no conflicts (2 of 4 stars). 2 submissions from 2 submitters: Uncertain significance (2). Last evaluated 2024-02-26.

Conditions:
Cardiovascular phenotype. Identifiers: MedGen CN230736.

Allele frequency attached by ClinVar (database versions not stated): TOPMed below 0.00001; gnomAD 0.00001; gnomAD exomes 0.00001.
gnomAD v4.1: 5 of 1,613,438 alleles (0.00031%); highest among the groups gnomAD compares: Non-Finnish European, 0.00042%; no homozygotes.

Submissions (2):

Ambry Genetics
Classification: Uncertain significance for Cardiovascular phenotype. Last evaluated: 2024-02-26. Review status: criteria provided, single submitter. Criteria: Ambry Variant Classification Scheme 2023. Collection method: clinical testing. Allele origin: germline.
Comment: The p.H3695Y variant (also known as c.11083C>T), located in coding exon 45 of the AKAP9 gene, results from a C to T substitution at nucleotide position 11083. The histidine at codon 3695 is replaced by tyrosine, an amino acid with similar properties. This amino acid position is conserved. In addition, this alteration is predicted to be tolerated by in silico analysis. Based on the available evidence, the clinical significance of this alteration remains unclear.

Blueprint Genetics
Classification: Uncertain significance. Last evaluated: 2022-12-01. Review status: criteria provided, single submitter. Criteria: ACMG Guidelines, 2015. Collection method: clinical testing. Allele origin: germline.